The following is an entry in ClinVar:

NM_001366006.2(ADGRL2):c.-9G>A

Gene: ADGRL2 (adhesion G protein-coupled receptor L2; plus strand). Cytogenetic location: 1p31.1.
Variant type: single nucleotide variant.
Coding change: c.-9G>A on transcript NM_001366006.2 (MANE Select); 9 bases upstream of the start codon, G replaced by A.
Molecular consequence: 5 prime UTR variant. On other transcripts: non-coding transcript variant (1).
Genome position (GRCh38, 1-based): chr1:81,836,976, G>A. VCF-style: chr1-81836976-G-A. GRCh37 (hg19) VCF-style: chr1-82302661-G-A.
Other names: c.-9G>A (NM_001297704.3, NM_001297705.3, NM_001297706.3 and 17 more transcripts).
Identifiers: ClinVar variation 3058339 (VCV003058339.2), dbSNP rs1286410138, ClinGen allele CA524155813.

ClinVar aggregate classification (germline): Likely benign (0 of 4 stars; one submission).

Conditions:
ADGRL2-related disorder. Also called: ADGRL2-related condition.

Allele frequency attached by ClinVar (database versions not stated): TOPMed 0.00001.

Submission:

PreventionGenetics, part of Exact Sciences
Classification: Likely benign for ADGRL2-related condition. Last evaluated: 2019-04-02. Review status: no assertion criteria provided. Collection method: clinical testing. Allele origin: germline.
Comment: This variant is classified as likely benign based on ACMG/AMP sequence variant interpretation guidelines (Richards et al. 2015 PMID: 25741868, with internal and published modifications).